The following is an entry in ClinVar:

ClinVar aggregate classification (germline): Likely pathogenic (1 of 4 stars; one submission).

Conditions:
Developmental and epileptic encephalopathy, 32 (DEE32). Also called: Epileptic encephalopathy, early infantile, 32. Identifiers: Orphanet 442835, MedGen C4225350, MONDO:0014607, OMIM 616366.

Submission:

Solve-RD Consortium
Classification: Likely pathogenic for Developmental and epileptic encephalopathy, 32. Review status: criteria provided, single submitter. Criteria: ACMG Guidelines, 2015. Collection method: provider interpretation. Allele origin: germline. Inheritance: Autosomal dominant inheritance. Affected: yes. Study: Solve-RD DIFT-EpiCARE reanalysis.
Comment: PVS1, PM2

Variant identified during reanalysis of unsolved cases by the Solve-RD project. The Solve-RD project has received funding from the European Union’s Horizon 2020 research and innovation programme under grant agreement No 779257.

NM_004974.4(KCNA2):c.*1218_*1219insT

Gene: KCNA2 (potassium voltage-gated channel subfamily A member 2; minus strand). Cytogenetic location: 1p13.3.
Variant type: Insertion.
Coding change: c.*1218_*1219insT on transcript NM_004974.4 (MANE Select); 1218 bases downstream of the stop codon through 1219 bases downstream of the stop codon, T inserted.
Molecular consequence: 3 prime UTR variant. On other transcripts: frameshift variant (1).
Genome position: GRCh38 VCF-style: chr1-110602064-T-TA. GRCh37 (hg19) VCF-style: chr1-111144686-T-TA.
Other names: c.1000_1001insT, p.Gln334fs (NM_001204269.2); short protein forms Q334fs.
Identifiers: ClinVar variation 4890769 (VCV004890769.1).